The following is an entry in ClinVar:

ClinVar aggregate classification (germline): Uncertain significance. Review status: criteria provided, multiple submitters, no conflicts (2 of 4 stars). 2 submissions from 2 submitters: Uncertain significance (2). Last evaluated 2025-10-18.

Conditions:
Kufor-Rakeb syndrome (KRS). Also called: PARKINSON DISEASE 9, AUTOSOMAL RECESSIVE, JUVENILE-ONSET. Identifiers: Orphanet 306674, Orphanet 314632, MedGen C1847640, MONDO:0011706, OMIM 606693.
Autosomal recessive spastic paraplegia type 78. Identifiers: Orphanet 513436, MedGen C5567893, MONDO:0014975, OMIM 617225.
Inborn genetic diseases. Identifiers: MedGen C0950123, MeSH D030342.

Allele frequency attached by ClinVar (database versions not stated): gnomAD exomes below 0.00001; ExAC 0.00001; gnomAD 0.00001; TOPMed 0.00001.
gnomAD v4.1: 3 of 1,612,580 alleles (0.00019%); highest among the groups gnomAD compares: African/African-American, 0.004%; no homozygotes.

Submissions (2):

Ambry Genetics
Classification: Uncertain significance for Inborn genetic diseases. Last evaluated: 2025-10-18. Review status: criteria provided, single submitter. Criteria: Ambry Variant Classification Scheme 2023. Collection method: clinical testing. Allele origin: germline.

Labcorp Genetics (formerly Invitae), Labcorp
Classification: Uncertain significance for Kufor-Rakeb syndrome; Autosomal recessive spastic paraplegia type 78. Last evaluated: 2022-04-02. Review status: criteria provided, single submitter. Criteria: Invitae Variant Classification Sherloc (09022015). Collection method: clinical testing. Allele origin: germline.
Comment: In summary, the available evidence is currently insufficient to determine the role of this variant in disease. Therefore, it has been classified as a Variant of Uncertain Significance. Advanced modeling of protein sequence and biophysical properties (such as structural, functional, and spatial information, amino acid conservation, physicochemical variation, residue mobility, and thermodynamic stability) performed at Invitae indicates that this missense variant is not expected to disrupt ATP13A2 protein function. ClinVar contains an entry for this variant (Variation ID: 587777). This variant has not been reported in the literature in individuals affected with ATP13A2-related conditions. This variant is present in population databases (rs756767909, gnomAD 0.0009%). This sequence change replaces alanine, which is neutral and non-polar, with valine, which is neutral and non-polar, at codon 335 of the ATP13A2 protein (p.Ala335Val).

NM_022089.4(ATP13A2):c.1004C>T (p.Ala335Val)

Gene: ATP13A2 (ATPase cation transporting 13A2; minus strand). Cytogenetic location: 1p36.13.
Variant type: single nucleotide variant.
Coding change: c.1004C>T on transcript NM_022089.4 (MANE Select); coding-DNA position 1004, C replaced by T.
Protein change: p.Ala335Val; replaces alanine 335 with valine.
Molecular consequence: missense variant.
Genome position (GRCh38, 1-based): chr1:17,000,046, G>A on the plus strand (C>T on the coding strand, the complement: ATP13A2 is on the minus strand). VCF-style: chr1-17000046-G-A. GRCh37 (hg19) VCF-style: chr1-17326541-G-A.
Other names: c.989C>T, p.Ala330Val (NM_001141973.3, NM_001141974.3); short protein forms A335V, A330V.
Identifiers: ClinVar variation 587777 (VCV000587777.9), dbSNP rs756767909, ClinGen allele CA637403.